The following is an entry in ClinVar:

NM_018249.6(CDK5RAP2):c.4587C>T (p.Ser1529=)

Gene: CDK5RAP2 (CDK5 regulatory subunit associated protein 2; minus strand). Cytogenetic location: 9q33.2.
Variant type: single nucleotide variant.
Coding change: c.4587C>T on transcript NM_018249.6 (MANE Select); coding-DNA position 4587, C replaced by T.
Protein change: p.Ser1529=; no amino-acid change (serine 1529 retained).
Molecular consequence: synonymous variant. On other transcripts: non-coding transcript variant (5).
Genome position (GRCh38, 1-based): chr9:120,409,144, G>A on the plus strand (C>T on the coding strand, the complement: CDK5RAP2 is on the minus strand). VCF-style: chr9-120409144-G-A. GRCh37 (hg19) VCF-style: chr9-123171422-G-A.
Other names: c.4587C>T, p.Ser1529= (NM_001011649.3); c.3897C>T, p.Ser1299= (NM_001272039.2); c.4488C>T, p.Ser1496= (NM_001410992.1); c.4491C>T, p.Ser1497= (NM_001410993.1); c.4584C>T, p.Ser1528= (NM_001410994.1).
Identifiers: ClinVar variation 2905371 (VCV002905371.20), dbSNP rs779854998, ClinGen allele CA5213529.

ClinVar aggregate classification (germline): Likely benign. Review status: criteria provided, multiple submitters, no conflicts (2 of 4 stars). 2 submissions from 2 submitters: Likely benign (2). Last evaluated 2024-09-05.

Allele frequency attached by ClinVar (database versions not stated): gnomAD 0.00001; TOPMed 0.00001; ExAC 0.00002.
gnomAD v4.1: 17 of 1,611,992 alleles (0.0011%); highest among the groups gnomAD compares: South Asian, 0.0066%; no homozygotes.

Submissions (2):

Labcorp Genetics (formerly Invitae), Labcorp
Classification: Likely benign. Last evaluated: 2024-09-05. Review status: criteria provided, single submitter. Criteria: Invitae Variant Classification Sherloc (09022015). Collection method: clinical testing. Allele origin: germline.

CeGaT Center for Human Genetics Tuebingen
Classification: Likely benign. Last evaluated: 2024-07-01. Review status: criteria provided, single submitter. Criteria: CeGaT Center For Human Genetics Tuebingen Variant Classification Criteria Version 2. Collection method: clinical testing. Allele origin: germline. Affected: yes. Observed: 1 variant allele.
Comment: CDK5RAP2: BP4, BP7